The following is an entry in ClinVar:

ClinVar aggregate classification (germline): Conflicting classifications of pathogenicity. Review status: criteria provided, conflicting classifications (1 of 4 stars). 4 submissions from 4 submitters: Uncertain significance (1); Likely benign (3). Last evaluated 2025-07-31.

Conditions:
Hereditary cancer-predisposing syndrome. Also called: Hereditary neoplastic syndrome; Tumor predisposition; Hereditary Cancer Syndrome; Neoplastic Syndromes, Hereditary. Identifiers: Orphanet 140162, MedGen C0027672, MeSH D009386, MONDO:0015356.
Familial cancer of breast. Also called: Hereditary breast cancer; hereditary breast carcinoma; BREAST CANCER, FAMILIAL. Identifiers: Orphanet 227535, MedGen C0346153, MONDO:0016419, OMIM 114480. Disease mechanism: loss of function.

Allele frequency attached by ClinVar (database versions not stated): gnomAD exomes below 0.00001.
gnomAD v4.1: 1 of 1,604,306 alleles (0.000062%); highest among the groups gnomAD compares: Non-Finnish European, 0.000085%; no homozygotes.

Submissions (4):

Labcorp Genetics (formerly Invitae), Labcorp
Classification: Likely benign for Familial cancer of breast. Last evaluated: 2025-07-31. Review status: criteria provided, single submitter. Criteria: Invitae Variant Classification Sherloc (09022015). Collection method: clinical testing. Allele origin: germline.

Myriad Genetics, Inc.
Classification: Likely benign for Familial cancer of breast. Last evaluated: 2024-10-03. Review status: criteria provided, single submitter. Criteria: Myriad Autosomal Dominant, Autosomal Recessive and X-Linked Classification Criteria (2023). Collection method: clinical testing. Allele origin: unknown.
Comment: This variant is considered likely benign. This variant is intronic and is not expected to impact mRNA splicing.

Ambry Genetics
Classification: Uncertain significance for Hereditary cancer-predisposing syndrome. Last evaluated: 2024-07-12. Review status: criteria provided, single submitter. Criteria: Ambry Variant Classification Scheme 2023. Collection method: clinical testing. Allele origin: germline.
Comment: The c.684-3T>C intronic variant results from a T to C substitution 3 nucleotides upstream from coding exon 5 in the CHEK2 gene. This nucleotide position is well conserved in available vertebrate species. In silico splice site analysis predicts that this alteration will not have any significant effect on splicing. Since supporting evidence is limited at this time, the clinical significance of this alteration remains unclear.

Color Diagnostics, LLC DBA Color Health
Classification: Likely benign for Hereditary cancer-predisposing syndrome. Last evaluated: 2017-04-11. Review status: criteria provided, single submitter. Criteria: ACMG Guidelines, 2015. Collection method: clinical testing. Allele origin: germline.

NM_007194.4(CHEK2):c.684-3T>C

Gene: CHEK2 (checkpoint kinase 2; minus strand). Cytogenetic location: 22q12.1.
Variant type: single nucleotide variant.
Coding change: c.684-3T>C on transcript NM_007194.4 (MANE Select); 3 bases into the intron before coding-DNA position 684, T replaced by C.
Molecular consequence: intron variant.
Genome position (GRCh38, 1-based): chr22:28,712,020, A>G on the plus strand (T>C on the coding strand, the complement: CHEK2 is on the minus strand). VCF-style: chr22-28712020-A-G. GRCh37 (hg19) VCF-style: chr22-29108008-A-G.
Other names: c.21-3T>C (NM_001437942.1, NM_001257387.3); c.483-3T>C (NM_001349956.3); c.684-3T>C (NM_145862.3); c.777-3T>C (NM_001438295.1, NM_001438293.1); c.813-3T>C (NM_001438294.1, NM_001005735.3).
Identifiers: ClinVar variation 491631 (VCV000491631.15), dbSNP rs1555921387, ClinGen allele CA658684254.